The following is an entry in ClinVar:

NM_000350.3(ABCA4):c.427C>G (p.Pro143Ala)

Gene: ABCA4 (ATP binding cassette subfamily A member 4; minus strand). Cytogenetic location: 1p22.1.
Variant type: single nucleotide variant.
Coding change: c.427C>G on transcript NM_000350.3 (MANE Select); coding-DNA position 427, C replaced by G.
Protein change: p.Pro143Ala; replaces proline 143 with alanine.
Molecular consequence: missense variant.
Genome position (GRCh38, 1-based): chr1:94,108,592, G>C on the plus strand (C>G on the coding strand, the complement: ABCA4 is on the minus strand). VCF-style: chr1-94108592-G-C. GRCh37 (hg19) VCF-style: chr1-94574148-G-C.
Other names: c.427C>G, p.Pro143Ala (NM_001425324.1); short protein forms P143A.
Identifiers: ClinVar variation 2128435 (VCV002128435.4), dbSNP rs1662504456, ClinGen allele CA341292980.

ClinVar aggregate classification (germline): Likely pathogenic (1 of 4 stars; one submission).

Allele frequency attached by ClinVar (database versions not stated): TOPMed below 0.00001.

Submission:

Labcorp Genetics (formerly Invitae), Labcorp
Classification: Likely pathogenic. Last evaluated: 2023-03-11. Review status: criteria provided, single submitter. Criteria: Invitae Variant Classification Sherloc (09022015). Collection method: clinical testing. Allele origin: germline.
Comment: In summary, the currently available evidence indicates that the variant is pathogenic, but additional data are needed to prove that conclusively. Therefore, this variant has been classified as Likely Pathogenic. This variant disrupts the p.Pro143 amino acid residue in ABCA4. Other variant(s) that disrupt this residue have been determined to be pathogenic (PMID: 14517951, 25412400, 29178665, 29854428). This suggests that this residue is clinically significant, and that variants that disrupt this residue are likely to be disease-causing. Advanced modeling of protein sequence and biophysical properties (such as structural, functional, and spatial information, amino acid conservation, physicochemical variation, residue mobility, and thermodynamic stability) performed at Invitae indicates that this missense variant is expected to disrupt ABCA4 protein function. ClinVar contains an entry for this variant (Variation ID: 2128435). This variant has not been reported in the literature in individuals affected with ABCA4-related conditions. This variant is not present in population databases (gnomAD no frequency). This sequence change replaces proline, which is neutral and non-polar, with alanine, which is neutral and non-polar, at codon 143 of the ABCA4 protein (p.Pro143Ala).

Literature cited by the submitters: PubMed 14517951; PubMed 25412400; PubMed 29178665; PubMed 29854428.